The following is an entry in ClinVar:

ClinVar aggregate classification (germline): Likely benign (0 of 4 stars; one submission).

Conditions:
ADAMTS13-related disorder. Also called: ADAMTS13-related condition.

Allele frequency attached by ClinVar (database versions not stated): gnomAD 0.00001; TOPMed 0.00001.
gnomAD v4.1: 3 of 1,595,838 alleles (0.00019%); highest among the groups gnomAD compares: African/African-American, 0.0027%; no homozygotes.

Submission:

PreventionGenetics, part of Exact Sciences
Classification: Likely benign for ADAMTS13-related condition. Last evaluated: 2023-07-21. Review status: no assertion criteria provided. Collection method: clinical testing. Allele origin: germline.
Comment: This variant is classified as likely benign based on ACMG/AMP sequence variant interpretation guidelines (Richards et al. 2015 PMID: 25741868, with internal and published modifications).

NM_139027.6(ADAMTS13):c.2703A>G (p.Ala901=)

Gene: ADAMTS13 (ADAM metallopeptidase with thrombospondin type 1 motif 13; plus strand). Cytogenetic location: 9q34.2.
Variant type: single nucleotide variant.
Coding change: c.2703A>G on transcript NM_139027.6 (MANE Select); coding-DNA position 2703, A replaced by G.
Protein change: p.Ala901=; no amino-acid change (alanine 901 retained).
Molecular consequence: synonymous variant. On other transcripts: non-coding transcript variant (1).
Genome position (GRCh38, 1-based): chr9:133,445,791, A>G. VCF-style: chr9-133445791-A-G. GRCh37 (hg19) VCF-style: chr9-136310912-A-G.
Other names: c.2703A>G, p.Ala901= (NM_139025.5); c.2610A>G, p.Ala870= (NM_139026.6).
Identifiers: ClinVar variation 3047866 (VCV003047866.2), dbSNP rs1290864867, ClinGen allele CA860733849.